The following is an entry in ClinVar:

ClinVar aggregate classification (germline): Likely benign. Review status: criteria provided, multiple submitters, no conflicts (2 of 4 stars). 3 submissions from 3 submitters: Likely benign (3). Last evaluated 2023-10-11.

Conditions:
Alstrom syndrome (ALMS). Identifiers: Orphanet 64, MedGen C0268425, MONDO:0008763, OMIM 203800.
Cardiovascular phenotype. Identifiers: MedGen CN230736.

Allele frequency attached by ClinVar (database versions not stated): TOPMed below 0.00001; gnomAD exomes 0.00001; gnomAD 0.00003.
gnomAD v4.1: 6 of 1,613,982 alleles (0.00037%); highest among the groups gnomAD compares: Middle Eastern, 0.017%; no homozygotes.

Submissions (3):

Labcorp Genetics (formerly Invitae), Labcorp
Classification: Likely benign for Alstrom syndrome. Last evaluated: 2023-10-11. Review status: criteria provided, single submitter. Criteria: Invitae Variant Classification Sherloc (09022015). Collection method: clinical testing. Allele origin: germline.

Ambry Genetics
Classification: Likely benign for Cardiovascular phenotype. Last evaluated: 2022-08-07. Review status: criteria provided, single submitter. Criteria: Ambry Variant Classification Scheme 2023. Collection method: clinical testing. Allele origin: germline.

GeneDx
Classification: Likely benign. Last evaluated: 2018-04-16. Review status: criteria provided, single submitter. Criteria: GeneDx Variant Classification (06012015). Collection method: clinical testing. Allele origin: germline. Affected: yes.
Comment: This variant is considered likely benign or benign based on one or more of the following criteria: it is a conservative change, it occurs at a poorly conserved position in the protein, it is predicted to be benign by multiple in silico algorithms, and/or has population frequency not consistent with disease.

NM_001378454.1(ALMS1):c.3420C>T (p.Thr1140=)

Gene: ALMS1 (ALMS1 centrosome and basal body associated protein; plus strand). Cytogenetic location: 2p13.1.
Variant type: single nucleotide variant.
Coding change: c.3420C>T on transcript NM_001378454.1 (MANE Select); coding-DNA position 3420, C replaced by T.
Protein change: p.Thr1140=; no amino-acid change (threonine 1140 retained).
Molecular consequence: synonymous variant.
Genome position (GRCh38, 1-based): chr2:73,449,947, C>T. VCF-style: chr2-73449947-C-T. GRCh37 (hg19) VCF-style: chr2-73677074-C-T.
Other names: c.3423C>T, p.Thr1141= (NM_015120.4).
Identifiers: ClinVar variation 681981 (VCV000681981.6), dbSNP rs1300610392, ClinGen allele CA427020203.